The following is an entry in ClinVar:

NM_004360.5(CDH1):c.1242C>T (p.Thr414=)

Gene: CDH1 (cadherin 1; plus strand). Cytogenetic location: 16q22.1.
Variant type: single nucleotide variant.
Coding change: c.1242C>T on transcript NM_004360.5 (MANE Select); coding-DNA position 1242, C replaced by T.
Protein change: p.Thr414=; no amino-acid change (threonine 414 retained).
Molecular consequence: synonymous variant. On other transcripts: intron variant (1), 5 prime UTR variant (2).
Genome position (GRCh38, 1-based): chr16:68,813,417, C>T. VCF-style: chr16-68813417-C-T. GRCh37 (hg19) VCF-style: chr16-68847320-C-T.
Other names: c.1242C>T (NM_004360.3, NM_004360.4); c.1137+1154C>T (NM_001317184.2); c.-374C>T (NM_001317185.2); c.-578C>T (NM_001317186.2).
Identifiers: ClinVar variation 1114531 (VCV001114531.12), dbSNP rs779601817, ClinGen allele CA8130024.

ClinVar aggregate classification (germline): Benign/Likely benign. Review status: criteria provided, multiple submitters, no conflicts (2 of 4 stars). 4 submissions from 4 submitters: Benign (1); Likely benign (3). Last evaluated 2026-01-04.

Conditions:
Hereditary diffuse gastric adenocarcinoma (HDGC). Also called: DIFFUSE GASTRIC AND LOBULAR BREAST CANCER SYNDROME. Identifiers: Orphanet 26106, MedGen C1708349, MONDO:0007648, OMIM 137215.
Hereditary cancer-predisposing syndrome. Also called: Neoplastic Syndromes, Hereditary; Hereditary Cancer Syndrome; Hereditary neoplastic syndrome; Tumor predisposition. Identifiers: Orphanet 140162, MedGen C0027672, MeSH D009386, MONDO:0015356.

Allele frequency attached by ClinVar (database versions not stated): gnomAD exomes below 0.00001; TOPMed below 0.00001; ExAC 0.00001; gnomAD 0.00001.
gnomAD v4.1: 4 of 1,613,972 alleles (0.00025%); highest among the groups gnomAD compares: Admixed American, 0.0017%; no homozygotes.

Submissions (4):

Labcorp Genetics (formerly Invitae), Labcorp
Classification: Likely benign for Hereditary diffuse gastric adenocarcinoma. Last evaluated: 2026-01-04. Review status: criteria provided, single submitter. Criteria: Invitae Variant Classification Sherloc (09022015). Collection method: clinical testing. Allele origin: germline.

Ambry Genetics
Classification: Likely benign for Hereditary cancer-predisposing syndrome. Last evaluated: 2025-08-25. Review status: criteria provided, single submitter. Criteria: Ambry Variant Classification Scheme 2023. Collection method: clinical testing. Allele origin: germline.

Myriad Genetics, Inc.
Classification: Benign for Hereditary diffuse gastric adenocarcinoma. Last evaluated: 2024-09-18. Review status: criteria provided, single submitter. Criteria: Myriad Autosomal Dominant, Autosomal Recessive and X-Linked Classification Criteria (2023). Collection method: clinical testing. Allele origin: unknown.
Comment: This variant is considered benign. This variant is a silent/synonymous amino acid change and it is not expected to impact splicing.

Quest Diagnostics Nichols Institute San Juan Capistrano
Classification: Likely benign. Last evaluated: 2022-12-06. Review status: criteria provided, single submitter. Criteria: Quest Diagnostics criteria. Collection method: clinical testing. Allele origin: unknown.